The following is an entry in ClinVar:

NM_001160148.2(DDHD1):c.1993-17T>G

Gene: DDHD1 (DDHD domain containing 1; minus strand). Cytogenetic location: 14q22.1.
Variant type: single nucleotide variant.
Coding change: c.1993-17T>G on transcript NM_001160148.2 (MANE Select); 17 bases into the intron before coding-DNA position 1993, T replaced by G.
Molecular consequence: intron variant.
Genome position (GRCh38, 1-based): chr14:53,055,929, A>C on the plus strand (T>G on the coding strand, the complement: DDHD1 is on the minus strand). VCF-style: chr14-53055929-A-C. GRCh37 (hg19) VCF-style: chr14-53522647-A-C.
Other names: c.1993-17T>G (NM_030637.3); c.2014-17T>G (NM_001160147.2).
Identifiers: ClinVar variation 1600052 (VCV001600052.9), dbSNP rs112572275, ClinGen allele CA7191062.
Genomic context (GRCh38, chr14:53,055,929, plus strand): 5'-ATGTTGCTGTAGTGTTTCAGTATTAATGGTTCTAATCTATAAGCCTTGATTTAAAAAAAA[A>C]AATTCAAAGAAACACAGTGTTAAATCACAATGCTTGGATTTTAGTAAACTGTTCTTACTC-3'

ClinVar aggregate classification (germline): Benign (1 of 4 stars; one submission).

Conditions:
Hereditary spastic paraplegia 28. Also called: Spastic paraplegia 28, autosomal recessive. Identifiers: Orphanet 101008, MedGen C1836295, MONDO:0012256, OMIM 609340.

Allele frequency attached by ClinVar (database versions not stated): gnomAD exomes 0.00026 and 0.00065; ExAC 0.00090; ESP Exome Variant Server 0.00208; gnomAD 0.00272 and 0.00282; TOPMed 0.00313; 1000 Genomes Project 30x 0.00359; 1000 Genomes Project 0.00419.
gnomAD v4.1: 788 of 1,591,622 alleles (0.05%); highest among the groups gnomAD compares: African/African-American, 1%; 9 homozygotes.

Submission:

Labcorp Genetics (formerly Invitae), Labcorp
Classification: Benign for Hereditary spastic paraplegia 28. Last evaluated: 2025-12-16. Review status: criteria provided, single submitter. Criteria: Invitae Variant Classification Sherloc (09022015). Collection method: clinical testing. Allele origin: germline.